The following is an entry in ClinVar:

NM_000179.3(MSH6):c.4021_4027del (p.Glu1341fs)

Gene: MSH6 (mutS homolog 6; plus strand). Cytogenetic location: 2p16.3.
Variant type: Deletion.
Coding change: c.4021_4027del on transcript NM_000179.3 (MANE Select); coding-DNA positions 4021 to 4027, 7 bases deleted (GAAAGGT; older notation c.4021_4027delGAAAGGT).
Protein change: p.Glu1341fs; shifts the reading frame from glutamic acid 1341.
Molecular consequence: frameshift variant.
Genome position (GRCh38, 1-based): chr2:47,806,798-47,806,804, GAAAGGT deleted; deleting any 7 consecutive bases within chr2:47,806,796-47,806,804 gives the same sequence; the c. name uses the placement nearest the transcript's 3' end. VCF-style (leftmost placement, unchanged base first): chr2-47806795-AGTGAAAG-A. GRCh37 (hg19) VCF-style: chr2-48033934-AGTGAAAG-A.
Other names: c.3631_3637del, p.Glu1211fs (NM_001281492.2); c.3115_3121del, p.Glu1039fs (NM_001281493.2, NM_001281494.2); c.4117_4123delGAAAGGT, p.Glu1373Glnfs (NM_001406795.1); c.4021_4027delGAAAGGT, p.Glu1341Glnfs (NM_001406796.1, NM_001406809.1); c.3724_3730delGAAAGGT, p.Glu1242Glnfs (NM_001406797.1, NM_001406805.1, NM_001406818.1 and 8 more transcripts); c.3847_3853delGAAAGGT, p.Glu1283Glnfs (NM_001406798.1); c.3496_3502delGAAAGGT, p.Glu1166Glnfs (NM_001406799.1, NM_001406806.1, NM_001406807.1); c.*42_*48delGAAAGGT (NM_001406800.1); and 10 more; short protein forms E1039fs, E1341fs, E1211fs.
Identifiers: ClinVar variation 1980861 (VCV001980861.4), dbSNP rs2530893163, ClinGen allele CA2580067591.
Genomic context (GRCh38, chr2:47,806,795, plus strand): 5'-TGAAAAAACAAAAAAACTTTTTTTTTTTTTTTTTTAATTTTAAGGGAAGTTTGCCTGGCT[AGTGAAAG>A]GTCAACTGTAGATGCTGAAGCTGTCCATAAATTGCTGACTTTGATTAAGGAATTATAGAC-3'

ClinVar aggregate classification (germline): Uncertain significance (1 of 4 stars; one submission).

Conditions:
Hereditary nonpolyposis colorectal neoplasms. Identifiers: MedGen C0009405, MeSH D003123.

Submission:

Labcorp Genetics (formerly Invitae), Labcorp
Classification: Uncertain significance for Hereditary nonpolyposis colorectal neoplasms. Last evaluated: 2022-09-22. Review status: criteria provided, single submitter. Criteria: Invitae Variant Classification Sherloc (09022015). Collection method: clinical testing. Allele origin: germline.
Comment: Experimental studies and prediction algorithms are not available or were not evaluated, and the functional significance of this variant is currently unknown. In summary, the available evidence is currently insufficient to determine the role of this variant in disease. Therefore, it has been classified as a Variant of Uncertain Significance. This variant has not been reported in the literature in individuals affected with MSH6-related conditions. This sequence change creates a premature translational stop signal (p.Glu1341Glnfs*3) in the MSH6 gene. While this is not anticipated to result in nonsense mediated decay, it is expected to disrupt the last 20 amino acid(s) of the MSH6 protein. This variant is not present in population databases (gnomAD no frequency).